The following is an entry in ClinVar:

ClinVar aggregate classification (germline): Uncertain significance. Review status: criteria provided, multiple submitters, no conflicts (2 of 4 stars). 2 submissions from 2 submitters: Uncertain significance (2). Last evaluated 2022-10-05.

Conditions:
Chédiak-Higashi syndrome (CHS). Also called: Chediak-Higashi Syndrome. Identifiers: Orphanet 167, MedGen C0007965, MONDO:0008963, OMIM 214500.

Allele frequency attached by ClinVar (database versions not stated): ExAC 0.00007; TOPMed 0.00013; gnomAD 0.00015; ESP Exome Variant Server 0.00038.
gnomAD v4.1: 65 of 1,613,456 alleles (0.004%); highest among the groups gnomAD compares: African/African-American, 0.044%; no homozygotes.

Submissions (2):

Labcorp Genetics (formerly Invitae), Labcorp
Classification: Uncertain significance for Chédiak-Higashi syndrome. Last evaluated: 2022-10-05. Review status: criteria provided, single submitter. Criteria: Invitae Variant Classification Sherloc (09022015). Collection method: clinical testing. Allele origin: germline.
Comment: This sequence change replaces aspartic acid, which is acidic and polar, with asparagine, which is neutral and polar, at codon 15 of the LYST protein (p.Asp15Asn). This variant is present in population databases (rs372774380, gnomAD 0.06%). This variant has not been reported in the literature in individuals affected with LYST-related conditions. ClinVar contains an entry for this variant (Variation ID: 1059159). Advanced modeling of protein sequence and biophysical properties (such as structural, functional, and spatial information, amino acid conservation, physicochemical variation, residue mobility, and thermodynamic stability) has been performed at Invitae for this missense variant, however the output from this modeling did not meet the statistical confidence thresholds required to predict the impact of this variant on LYST protein function. In summary, the available evidence is currently insufficient to determine the role of this variant in disease. Therefore, it has been classified as a Variant of Uncertain Significance.

Blueprint Genetics
Classification: Uncertain significance. Last evaluated: 2022-07-18. Review status: criteria provided, single submitter. Criteria: ACMG Guidelines, 2015. Collection method: clinical testing. Allele origin: germline.

NM_000081.4(LYST):c.43G>A (p.Asp15Asn)

Gene: LYST (lysosomal trafficking regulator; minus strand). Cytogenetic location: 1q42.3.
Variant type: single nucleotide variant.
Coding change: c.43G>A on transcript NM_000081.4 (MANE Select); coding-DNA position 43, G replaced by A.
Protein change: p.Asp15Asn; replaces aspartic acid 15 with asparagine.
Molecular consequence: missense variant. On other transcripts: non-coding transcript variant (1).
Genome position (GRCh38, 1-based): chr1:235,830,375, C>T on the plus strand (G>A on the coding strand, the complement: LYST is on the minus strand). VCF-style: chr1-235830375-C-T. GRCh37 (hg19) VCF-style: chr1-235993675-C-T.
Other names: c.43G>A, p.Asp15Asn (NM_001301365.1); short protein forms D15N.
Identifiers: ClinVar variation 1059159 (VCV001059159.5), dbSNP rs372774380, ClinGen allele CA1467750.